The following is an entry in ClinVar:

ClinVar aggregate classification (germline): Uncertain significance (1 of 4 stars; one submission).

Conditions:
Early-infantile DEE. Also called: Early infantile epileptic encephalopathy with suppression bursts; Early infantile epileptic encephalopathy; Ohtahara syndrome. Identifiers: Orphanet 1934, MedGen C0393706, MONDO:0800491.

Submission:

Labcorp Genetics (formerly Invitae), Labcorp
Classification: Uncertain significance for Early-infantile DEE. Last evaluated: 2022-01-27. Review status: criteria provided, single submitter. Criteria: Invitae Variant Classification Sherloc (09022015). Collection method: clinical testing. Allele origin: germline.
Comment: In summary, the available evidence is currently insufficient to determine the role of this variant in disease. Therefore, it has been classified as a Variant of Uncertain Significance. Advanced modeling of protein sequence and biophysical properties (such as structural, functional, and spatial information, amino acid conservation, physicochemical variation, residue mobility, and thermodynamic stability) performed at Invitae indicates that this missense variant is not expected to disrupt HCN1 protein function. This variant has not been reported in the literature in individuals affected with HCN1-related conditions. This variant is not present in population databases (gnomAD no frequency). This sequence change replaces glycine, which is neutral and non-polar, with serine, which is neutral and polar, at codon 72 of the HCN1 protein (p.Gly72Ser).

NM_021072.4(HCN1):c.214G>A (p.Gly72Ser)

Gene: HCN1 (hyperpolarization activated cyclic nucleotide gated potassium channel 1; minus strand). Cytogenetic location: 5p12.
Variant type: single nucleotide variant.
Coding change: c.214G>A on transcript NM_021072.4 (MANE Select); coding-DNA position 214, G replaced by A.
Protein change: p.Gly72Ser; replaces glycine 72 with serine.
Molecular consequence: missense variant.
Genome position (GRCh38, 1-based): chr5:45,695,880, C>T on the plus strand (G>A on the coding strand, the complement: HCN1 is on the minus strand). VCF-style: chr5-45695880-C-T. GRCh37 (hg19) VCF-style: chr5-45695982-C-T.
Other names: short protein forms G72S.
Identifiers: ClinVar variation 2061739 (VCV002061739.4), dbSNP rs2478644266, ClinGen allele CA359706510.